The following is an entry in ClinVar:

NM_031885.5(BBS2):c.1662dup (p.Thr555fs)

Gene: BBS2 (Bardet-Biedl syndrome 2; minus strand). Cytogenetic location: 16q13.
Variant type: Duplication.
Coding change: c.1662dup on transcript NM_031885.5 (MANE Select); coding-DNA position 1662, one base duplicated (C; older notation c.1662dupC).
Protein change: p.Thr555fs; shifts the reading frame from threonine 555.
Molecular consequence: frameshift variant. On other transcripts: non-coding transcript variant (5).
Genome position (GRCh38, 1-based): chr16:56,497,878, G duplicated on the plus strand (C on the coding strand, the reverse complement: BBS2 is on the minus strand). VCF-style (leftmost placement, unchanged base first): chr16-56497877-T-TG. GRCh37 (hg19) VCF-style: chr16-56531789-T-TG.
Other names: c.1662dup, p.Thr555fs (NM_001377456.1); c.1662dup (NM_031885.3); short protein forms T555fs.
Identifiers: ClinVar variation 1457122 (VCV001457122.7), dbSNP rs2144132870, ClinGen allele CA2573152428.

ClinVar aggregate classification (germline): Pathogenic/Likely pathogenic. Review status: criteria provided, multiple submitters, no conflicts (2 of 4 stars). 2 submissions from 2 submitters: Pathogenic (1); Likely pathogenic (1). Last evaluated 2025-10-05.

Conditions:
Bardet-Biedl syndrome (BBS). Identifiers: Orphanet 110, MedGen C0752166, MONDO:0015229.
Bardet-Biedl syndrome 2 (BBS2). Identifiers: Orphanet 110, MedGen C2936863, MONDO:0014432, OMIM 615981.

Submissions (2):

Natera, Inc.
Classification: Likely pathogenic for Bardet-Biedl syndrome type 2. Last evaluated: 2025-10-05. Review status: criteria provided, single submitter. Criteria: Natera Variant Classification Schema (03/2026). Collection method: clinical testing. Allele origin: germline.
Comment: The c.1662dup variant in BBS2 is a frameshift variant predicted to shift the reading frame beginning at codon 555 and leads to a stop codon 5 codons downstream. This variant is expected to result in nonsense mediated decay, truncation, or a dysfunctional protein product. This variant is rare in the general population with a frequency below the threshold expected for the associated phenotype(s). Given the available evidence, this variant is classified as Likely Pathogenic.

Labcorp Genetics (formerly Invitae), Labcorp
Classification: Pathogenic for Bardet-Biedl syndrome. Last evaluated: 2021-01-05. Review status: criteria provided, single submitter. Criteria: Invitae Variant Classification Sherloc (09022015). Collection method: clinical testing. Allele origin: germline.
Comment: For these reasons, this variant has been classified as Pathogenic. This variant has not been reported in the literature in individuals with BBS2-related conditions. This variant is not present in population databases (ExAC no frequency). This sequence change creates a premature translational stop signal (p.Thr555Hisfs*5) in the BBS2 gene. It is expected to result in an absent or disrupted protein product. Loss-of-function variants in BBS2 are known to be pathogenic (PMID: 11285252, 20177705, 24608809, 26518167).

Literature cited by the submitters: PubMed 11285252 (cited by Labcorp Genetics (formerly Invitae), Labcorp); PubMed 20177705 (cited by Labcorp Genetics (formerly Invitae), Labcorp); PubMed 24608809 (cited by Labcorp Genetics (formerly Invitae), Labcorp); PubMed 26518167 (cited by Labcorp Genetics (formerly Invitae), Labcorp).